The following is an entry in ClinVar:

NM_006231.4(POLE):c.1270C>T (p.Leu424Phe)

Gene: POLE (DNA polymerase epsilon, catalytic subunit; minus strand). Cytogenetic location: 12q24.33.
Variant type: single nucleotide variant.
Coding change: c.1270C>T on transcript NM_006231.4 (MANE Select); coding-DNA position 1270, C replaced by T.
Protein change: p.Leu424Phe; replaces leucine 424 with phenylalanine.
Molecular consequence: missense variant.
Genome position (GRCh38, 1-based): chr12:132,673,664, G>A on the plus strand (C>T on the coding strand, the complement: POLE is on the minus strand). VCF-style: chr12-132673664-G-A. GRCh37 (hg19) VCF-style: chr12-133250250-G-A.
Other names: short protein forms L424F.
Identifiers: ClinVar variation 818751 (VCV000818751.16), dbSNP rs483352909, ClinGen allele CA6894020.

ClinVar aggregate classification (germline): Conflicting classifications of pathogenicity. Review status: criteria provided, conflicting classifications (1 of 4 stars). 4 submissions from 4 submitters: Likely pathogenic (1); Uncertain significance (3). Last evaluated 2026-02-02.

Conditions:
Hereditary cancer-predisposing syndrome. Also called: Neoplastic Syndromes, Hereditary; Tumor predisposition; Hereditary Cancer Syndrome; Hereditary neoplastic syndrome. Identifiers: Orphanet 140162, MedGen C0027672, MeSH D009386, MONDO:0015356.
POLE-related disorder. Also called: POLE-related disorders; POLE-related condition.

Allele frequency attached by ClinVar (database versions not stated): ExAC 0.00001; gnomAD 0.00001; gnomAD exomes 0.00002.
gnomAD v4.1: 10 of 1,613,900 alleles (0.00062%); highest among the groups gnomAD compares: South Asian, 0.0033%; no homozygotes.

Submissions (4):

Ambry Genetics
Classification: Uncertain significance for Hereditary cancer-predisposing syndrome. Last evaluated: 2026-02-02. Review status: criteria provided, single submitter. Criteria: Ambry Variant Classification Scheme 2023. Collection method: clinical testing. Allele origin: germline.
Comment: The p.L424F variant (also known as c.1270C>T), located in coding exon 13 of the POLE gene, results from a C to T substitution at nucleotide position 1270. The leucine at codon 424 is replaced by phenylalanine, an amino acid with highly similar properties. This amino acid position is highly conserved in available vertebrate species. In addition, the in silico prediction for this alteration is inconclusive. Based on the available evidence, the clinical significance of this variant remains unclear.

Labcorp Genetics (formerly Invitae), Labcorp
Classification: Uncertain significance. Last evaluated: 2024-12-07. Review status: criteria provided, single submitter. Criteria: Invitae Variant Classification Sherloc (09022015). Collection method: clinical testing. Allele origin: germline.
Comment: This sequence change replaces leucine, which is neutral and non-polar, with phenylalanine, which is neutral and non-polar, at codon 424 of the POLE protein (p.Leu424Phe). This variant is present in population databases (rs483352909, gnomAD 0.01%). This variant has not been reported in the literature in individuals affected with POLE-related conditions. ClinVar contains an entry for this variant (Variation ID: 818751). Invitae Evidence Modeling of protein sequence and biophysical properties (such as structural, functional, and spatial information, amino acid conservation, physicochemical variation, residue mobility, and thermodynamic stability) indicates that this missense variant is expected to disrupt POLE protein function with a positive predictive value of 80%. This variant disrupts the p.Leu424 amino acid residue in POLE. Other variant(s) that disrupt this residue have been determined to be pathogenic (PMID: 23263490, 23447401, 24501277, 25370038, 25529843, 27683556). This suggests that this residue is clinically significant, and that variants that disrupt this residue are likely to be disease-causing. In summary, the available evidence is currently insufficient to determine the role of this variant in disease. Therefore, it has been classified as a Variant of Uncertain Significance.

Color Diagnostics, LLC DBA Color Health
Classification: Uncertain significance for Hereditary cancer-predisposing syndrome. Last evaluated: 2022-08-30. Review status: criteria provided, single submitter. Criteria: ACMG Guidelines, 2015. Collection method: clinical testing. Allele origin: germline.
Comment: This missense variant replaces leucine with phenylalanine at codon 424 of the POLE protein. Computational prediction is inconclusive regarding the impact of this variant on protein structure and function (internally defined REVEL score threshold 0.5 < inconclusive < 0.7, PMID: 27666373). To our knowledge, functional studies have not been reported for this variant. This variant has been reported in an individual with colorectal cancer whose tumor showed microsatellite stability (PMID: 25124163). This variant has been identified in 4/251340 chromosomes in the general population by the Genome Aggregation Database (gnomAD). The available evidence is insufficient to determine the role of this variant in disease conclusively. Therefore, this variant is classified as a Variant of Uncertain Significance.

Blueprint Genetics
Classification: Likely pathogenic for POLE-related disorders. Last evaluated: 2019-06-11. Review status: criteria provided, single submitter. Criteria: ACMG Guidelines, 2015. Collection method: clinical testing. Allele origin: germline. Affected: yes. Observed: 1 variant allele.

Literature cited by the submitters: PubMed 23263490 (cited by Labcorp Genetics (formerly Invitae), Labcorp); PubMed 23447401 (cited by Labcorp Genetics (formerly Invitae), Labcorp); PubMed 24501277 (cited by Labcorp Genetics (formerly Invitae), Labcorp); PubMed 25370038 (cited by Labcorp Genetics (formerly Invitae), Labcorp); PubMed 25529843 (cited by Labcorp Genetics (formerly Invitae), Labcorp); PubMed 27683556 (cited by Labcorp Genetics (formerly Invitae), Labcorp); PubMed 25124163 (cited by Color Diagnostics, LLC DBA Color Health).